The following is an entry in ClinVar:

NM_005560.6(LAMA5):c.8219A>G (p.Asn2740Ser)

Gene: LAMA5 (laminin subunit alpha 5; minus strand). Cytogenetic location: 20q13.33.
Variant type: single nucleotide variant.
Coding change: c.8219A>G on transcript NM_005560.6 (MANE Select); coding-DNA position 8219, A replaced by G.
Protein change: p.Asn2740Ser; replaces asparagine 2740 with serine.
Molecular consequence: missense variant.
Genome position (GRCh38, 1-based): chr20:62,314,703, T>C on the plus strand (A>G on the coding strand, the complement: LAMA5 is on the minus strand). VCF-style: chr20-62314703-T-C. GRCh37 (hg19) VCF-style: chr20-60889759-T-C.
Other names: short protein forms N2740S.
Identifiers: ClinVar variation 1926517 (VCV001926517.5), dbSNP rs540719244, ClinGen allele CA9940816.

ClinVar aggregate classification (germline): Uncertain significance (1 of 4 stars; one submission).

Allele frequency attached by ClinVar (database versions not stated): gnomAD 0.00001; ExAC 0.00007; 1000 Genomes Project 30x 0.00016; 1000 Genomes Project 0.00020.
gnomAD v4.1: 50 of 1,612,644 alleles (0.0031%); highest among the groups gnomAD compares: South Asian, 0.038%; no homozygotes.

Submission:

Labcorp Genetics (formerly Invitae), Labcorp
Classification: Uncertain significance. Last evaluated: 2022-07-25. Review status: criteria provided, single submitter. Criteria: Invitae Variant Classification Sherloc (09022015). Collection method: clinical testing. Allele origin: germline.
Comment: In summary, the available evidence is currently insufficient to determine the role of this variant in disease. Therefore, it has been classified as a Variant of Uncertain Significance. Algorithms developed to predict the effect of missense changes on protein structure and function output the following: SIFT: "Tolerated"; PolyPhen-2: "Benign"; Align-GVGD: "Class C0". The serine amino acid residue is found in multiple mammalian species, which suggests that this missense change does not adversely affect protein function. This variant has not been reported in the literature in individuals affected with LAMA5-related conditions. This variant is present in population databases (rs540719244, gnomAD 0.05%). This sequence change replaces asparagine, which is neutral and polar, with serine, which is neutral and polar, at codon 2740 of the LAMA5 protein (p.Asn2740Ser).